The following is an entry in ClinVar:

ClinVar aggregate classification (germline): Uncertain significance. Review status: criteria provided, multiple submitters, no conflicts (2 of 4 stars). 2 submissions from 2 submitters: Uncertain significance (2). Last evaluated 2021-05-11.

Conditions:
Hereditary orotic aciduria, type 1. Also called: Orotic aciduria type 1; Oroticaciduria 1. Identifiers: MedGen C0268130.

Allele frequency attached by ClinVar (database versions not stated): gnomAD exomes below 0.00001; TOPMed below 0.00001; ExAC 0.00002; 1000 Genomes Project 30x 0.00016; 1000 Genomes Project 0.00020.

Submissions (2):

Women's Health and Genetics/Laboratory Corporation of America, LabCorp
Classification: Uncertain significance. Last evaluated: 2021-05-11. Review status: criteria provided, single submitter. Criteria: LabCorp Variant Classification Summary - May 2015. Collection method: clinical testing. Allele origin: germline.
Comment: Variant summary: UMPS c.499G>A (p.Gly167Arg) results in a non-conservative amino acid change located in the Phosphoribosyltransferase domain (IPR000836) of the encoded protein sequence. Five of five in-silico tools predict a damaging effect of the variant on protein function. The variant allele was found at a frequency of 4e-06 in 251338 control chromosomes (gnomAD). The available data on variant occurrences in the general population are insufficient to allow any conclusion about variant significance. To our knowledge, no occurrence of c.499G>A in individuals affected with Orotic Aciduria and no experimental evidence demonstrating its impact on protein function have been reported. One ClinVar submitter (evaluation after 2014) cites the variant as uncertain significance. Based on the evidence outlined above, the variant was classified as uncertain significance.

Labcorp Genetics (formerly Invitae), Labcorp
Classification: Uncertain significance for Hereditary orotic aciduria, type 1. Last evaluated: 2020-08-08. Review status: criteria provided, single submitter. Criteria: Invitae Variant Classification Sherloc (09022015). Collection method: clinical testing. Allele origin: germline.
Comment: In summary, the available evidence is currently insufficient to determine the role of this variant in disease. Therefore, it has been classified as a Variant of Uncertain Significance. Algorithms developed to predict the effect of missense changes on protein structure and function are either unavailable or do not agree on the potential impact of this missense change (SIFT: "Deleterious"; PolyPhen-2: "Probably Damaging"; Align-GVGD: "Class C0"). This variant has not been reported in the literature in individuals with UMPS-related conditions. This variant is present in population databases (rs184856674, ExAC 0.01%). This sequence change replaces glycine with arginine at codon 167 of the UMPS protein (p.Gly167Arg). The glycine residue is highly conserved and there is a moderate physicochemical difference between glycine and arginine.

NM_000373.4(UMPS):c.499G>A (p.Gly167Arg)

Gene: UMPS (uridine monophosphate synthetase; plus strand). Cytogenetic location: 3q21.2.
Variant type: single nucleotide variant.
Coding change: c.499G>A on transcript NM_000373.4 (MANE Select); coding-DNA position 499, G replaced by A.
Protein change: p.Gly167Arg; replaces glycine 167 with arginine.
Molecular consequence: missense variant. On other transcripts: non-coding transcript variant (2).
Genome position (GRCh38, 1-based): chr3:124,737,756, G>A. VCF-style: chr3-124737756-G-A. GRCh37 (hg19) VCF-style: chr3-124456603-G-A.
Other names: short protein forms G167R.
Identifiers: ClinVar variation 641034 (VCV000641034.10), dbSNP rs184856674, ClinGen allele CA2581669.